The following is an entry in ClinVar:

NM_001382567.1(STIM1):c.798C>A (p.His266Gln)

Gene: STIM1 (stromal interaction molecule 1; plus strand). Cytogenetic location: 11p15.4.
Variant type: single nucleotide variant.
Coding change: c.798C>A on transcript NM_001382567.1 (MANE Select); coding-DNA position 798, C replaced by A.
Protein change: p.His266Gln; replaces histidine 266 with glutamine.
Molecular consequence: missense variant.
Genome position (GRCh38, 1-based): chr11:4,074,508, C>A. VCF-style: chr11-4074508-C-A. GRCh37 (hg19) VCF-style: chr11-4095738-C-A.
Other names: c.576C>A, p.His192Gln (NM_001382576.1, NM_001382577.1, NM_001382578.1 and 5 more transcripts); c.309C>A, p.His103Gln (NM_001382580.1, NM_001382581.1); c.798C>A, p.His266Gln (NM_003156.4, NM_001277961.3, NM_001277962.2 and 2 more transcripts); c.663C>A, p.His221Gln (NM_001382569.1); c.570C>A, p.His190Gln (NM_001382570.1); c.318C>A, p.His106Gln (NM_001382571.1); short protein forms H266Q, H106Q, H190Q, H221Q, H103Q, H192Q.
Identifiers: ClinVar variation 1378101 (VCV001378101.6), dbSNP rs199615736, ClinGen allele CA5830334.
Genomic context (GRCh38, chr11:4,074,508, plus strand): 5'-TTGGCTGGCACCCCCTTGCCTGGCCTCCTCCAGCTCCCTGCATTGCCCCCCCAGGCTGCA[C>A]AAGGCCCAGGAGGAGCACCGCACAGTGGAGGTGGAGAAGGTCCATCTGGAAAAGAAGCTG-3'
Protein context (NP_001369496.1, residues 256-276): QSLHDLQERL[His266Gln]KAQEEHRTVE

ClinVar aggregate classification (germline): Uncertain significance (1 of 4 stars; one submission).

Conditions:
Combined immunodeficiency due to STIM1 deficiency. Also called: STIM1 DEFICIENCY; IMMUNODEFICIENCY 10. Identifiers: Orphanet 169090, Orphanet 317430, MedGen C2748557, MONDO:0013008, OMIM 612783.
Myopathy with tubular aggregates (TAM). Also called: Tubular Aggregate Myopathy. Identifiers: Orphanet 2593, MedGen C0410207, MONDO:0008051.
Stormorken syndrome (STRMK). Also called: THROMBOCYTOPATHY, ASPLENIA, AND MIOSIS. Identifiers: Orphanet 3204, MedGen C1861451, MONDO:0008497, OMIM 185070.

Allele frequency attached by ClinVar (database versions not stated): gnomAD 0.00001; gnomAD exomes 0.00001; ExAC 0.00002; 1000 Genomes Project 0.00020; 1000 Genomes Project 30x 0.00031.
gnomAD v4.1: 4 of 1,613,712 alleles (0.00025%); highest among the groups gnomAD compares: Admixed American, 0.0033%; no homozygotes.

Submission:

Labcorp Genetics (formerly Invitae), Labcorp
Classification: Uncertain significance for Myopathy with tubular aggregates; Combined immunodeficiency due to STIM1 deficiency; Stormorken syndrome. Last evaluated: 2024-08-31. Review status: criteria provided, single submitter. Criteria: Invitae Variant Classification Sherloc (09022015). Collection method: clinical testing. Allele origin: germline.
Comment: This sequence change replaces histidine, which is basic and polar, with glutamine, which is neutral and polar, at codon 266 of the STIM1 protein (p.His266Gln). This variant is present in population databases (rs199615736, gnomAD 0.003%). This variant has not been reported in the literature in individuals affected with STIM1-related conditions. ClinVar contains an entry for this variant (Variation ID: 1378101). Invitae Evidence Modeling of protein sequence and biophysical properties (such as structural, functional, and spatial information, amino acid conservation, physicochemical variation, residue mobility, and thermodynamic stability) indicates that this missense variant is not expected to disrupt STIM1 protein function with a negative predictive value of 80%. In summary, the available evidence is currently insufficient to determine the role of this variant in disease. Therefore, it has been classified as a Variant of Uncertain Significance.